The following is an entry in ClinVar:

NM_001374736.1(DST):c.11597T>G (p.Leu3866Arg)

Gene: DST (dystonin; minus strand). Cytogenetic location: 6p12.1.
Variant type: single nucleotide variant.
Coding change: c.11597T>G on transcript NM_001374736.1 (MANE Select); coding-DNA position 11597, T replaced by G.
Protein change: p.Leu3866Arg; replaces leucine 3866 with arginine.
Molecular consequence: missense variant.
Genome position (GRCh38, 1-based): chr6:56,600,166, A>C on the plus strand (T>G on the coding strand, the complement: DST is on the minus strand). VCF-style: chr6-56600166-A-C. GRCh37 (hg19) VCF-style: chr6-56464964-A-C.
Other names: c.5240T>G, p.Leu1747Arg (NM_001144769.5); c.4826T>G, p.Leu1609Arg (NM_001144770.2); c.11597T>G, p.Leu3866Arg (NM_001374722.1); c.10964T>G, p.Leu3655Arg (NM_001374729.1); c.4706T>G, p.Leu1569Arg (NM_001374730.1, NM_001386100.1, NM_183380.4); c.11624T>G, p.Leu3875Arg (NM_001374734.1); c.3728T>G, p.Leu1243Arg (NM_015548.5); short protein forms L1569R, L1747R, L3866R, L1243R, L3655R, L3875R, L1609R.
Identifiers: ClinVar variation 1746301 (VCV001746301.2), dbSNP rs749816429, ClinGen allele CA3868624.
Genomic context (GRCh38, chr6:56,600,166, plus strand): 5'-CCATCTCCAATCATGAAGGCTTCTTGGTGACCAATTAGGCGGTTTTCAGTTTGGGTAAGA[A>C]GATCACATATCCCTTGGAGTTTCTCTTTATACTCCTGCTGACGCTCTGCTACAATCTAAA-3'
Protein context (NP_001361665.1, residues 3856-3876): YKEKLQGICD[Leu3866Arg]LTQTENRLIG

ClinVar aggregate classification (germline): Uncertain significance (1 of 4 stars; one submission).

Conditions:
Inborn genetic diseases. Identifiers: MedGen C0950123, MeSH D030342.

Allele frequency attached by ClinVar (database versions not stated): TOPMed below 0.00001; ExAC 0.00001; gnomAD 0.00001.
gnomAD v4.1: 14 of 1,613,002 alleles (0.00087%); highest among the groups gnomAD compares: East Asian, 0.0045%; no homozygotes.

Submission:

Ambry Genetics
Classification: Uncertain significance for Inborn genetic diseases. Last evaluated: 2020-03-04. Review status: criteria provided, single submitter. Criteria: Ambry Variant Classification Scheme 2023. Collection method: clinical testing. Allele origin: germline.
Comment: The p.L1747R variant (also known as c.5240T>G), located in coding exon 39 of the DST gene, results from a T to G substitution at nucleotide position 5240. The leucine at codon 1747 is replaced by arginine, an amino acid with dissimilar properties. This amino acid position is not well conserved in available vertebrate species. In addition, this alteration is predicted to be tolerated by in silico analysis. Since supporting evidence is limited at this time, the clinical significance of this alteration remains unclear.